The following is an entry in ClinVar:

ClinVar aggregate classification (germline): Conflicting classifications of pathogenicity. Review status: criteria provided, conflicting classifications (1 of 4 stars). 8 submissions from 8 submitters: Uncertain significance (4); Benign (1); Likely benign (1). 2 of the submissions do not count toward it. Last evaluated 2026-01-28.

Conditions:
Hereditary cancer-predisposing syndrome. Also called: Tumor predisposition; Neoplastic Syndromes, Hereditary; Hereditary neoplastic syndrome; Hereditary Cancer Syndrome. Identifiers: Orphanet 140162, MedGen C0027672, MeSH D009386, MONDO:0015356.
Hereditary breast ovarian cancer syndrome. Also called: Hereditary breast and ovarian cancer; Hereditary breast and ovarian cancer syndrome (HBOC); Hereditary breast and/or ovarian cancer syndrome; Breast and ovarian cancer; Hereditary breast and ovarian cancer syndrome; BRCA1- and BRCA2-Associated Hereditary Breast and Ovarian Cancer. Identifiers: Orphanet 145, MedGen C0677776, MeSH D061325, MONDO:0003582. Disease mechanism: loss of function.
Breast-ovarian cancer, familial, susceptibility to, 2 (BROVCA2). Also called: BRCA2 Hereditary Breast and Ovarian Cancer. Identifiers: Orphanet 145, MedGen C2675520, MONDO:0012933, OMIM 612555. Disease mechanism: loss of function.

Submissions (8):

Labcorp Genetics (formerly Invitae), Labcorp
Classification: Uncertain significance for Hereditary breast ovarian cancer syndrome. Last evaluated: 2026-01-28. Review status: criteria provided, single submitter. Criteria: Invitae Variant Classification Sherloc (09022015). Collection method: clinical testing. Allele origin: germline.
Comment: This sequence change replaces valine, which is neutral and non-polar, with phenylalanine, which is neutral and non-polar, at codon 1532 of the BRCA2 protein (p.Val1532Phe). This variant is not present in population databases (gnomAD no frequency). This missense change has been observed in individual(s) with clinical features of BRCA2-related conditions (PMID: 10923033, 21601571, 23071527, 34326862, 35402282). ClinVar contains an entry for this variant (Variation ID: 37911). Invitae Evidence Modeling of protein sequence and biophysical properties (such as structural, functional, and spatial information, amino acid conservation, physicochemical variation, residue mobility, and thermodynamic stability) indicates that this missense variant is not expected to disrupt BRCA2 protein function with a negative predictive value of 95%. Experimental studies have shown that this missense change affects BRCA2 function (PMID: 21601571, 23071527). In summary, the available evidence is currently insufficient to determine the role of this variant in disease. Therefore, it has been classified as a Variant of Uncertain Significance.

Molecular Diagnostics Laboratory, Catalan Institute of Oncology
Classification: Benign for Hereditary cancer-predisposing syndrome. Last evaluated: 2025-07-21. Review status: criteria provided, single submitter. Criteria: ClinGen BRCA1BRCA2 ACMG Specifications BRCA2 V1.0.0. Collection method: clinical testing. Allele origin: germline.
Comment: PM2_Supporting, BS3_, BP1_Strong c.4594G>T, located in exon 11 of the BRCA2 gene, is predicted to result in the substitution of Valine with Phenylalanine at codon 1532, p.(Val1532Phe). This position is outside a (potentially) clinically important functional domain and the SpliceAI algorithm predicts no significant impact on splicing (BP1_Strong). It is not present in the population database gnomAD v2.1.1, non cancer dataset (PM2_Supporting). Although non-calibrated assays found that the p.Val1532Phe variant affected the interaction between BRCA2 and RAD51 (PMID: 21601571, PMID: 23071527), a calibrated high-throughput functional assay showed that the variant does not affect the viability of human cells in response to various PARP inhibitors or carboplatin, in a manner comparable to benign control variants (PMID: 32444794) (BS3). c.4594G>T has been reported in the ClinVar database (1x likely benign, 6x of uncertain significance), but it has not been identified in the LOVD databases and remains unreviewed in the BRCA Exchange database. At present ClinVar does not describe pathogenic or likely pathogenic missense variants at this codon. Based on the currently available evidence, c.4594G>T is considered a benign variant according to ClinGen-BRCA2 Guidelines v. 1.0.0.

Color Diagnostics, LLC DBA Color Health
Classification: Uncertain significance for Hereditary cancer-predisposing syndrome. Last evaluated: 2024-11-19. Review status: criteria provided, single submitter. Criteria: ACMG Guidelines, 2015. Collection method: clinical testing. Allele origin: germline.
Comment: This missense variant replaces valine with phenylalanine at codon 1532 of the BRCA2 protein. Computational prediction is inconclusive regarding the impact of this variant on protein structure and function. Functional studies have shown this variant to disrupts the interaction between BRCA2 and RAD51 (PMID: 21601571, 23071527). This variant has been reported in an individual affected with breast cancer (PMID: 35402282). This variant has not been identified in the general population by the Genome Aggregation Database (gnomAD). The available evidence is insufficient to determine the role of this variant in disease conclusively. Therefore, this variant is classified as a Variant of Uncertain Significance.

Ambry Genetics
Classification: Uncertain significance for Hereditary cancer-predisposing syndrome. Last evaluated: 2023-09-13. Review status: criteria provided, single submitter. Criteria: Ambry Variant Classification Scheme 2023. Collection method: clinical testing. Allele origin: germline.
Comment: The p.V1532F variant (also known as c.4594G>T), located in coding exon 10 of the BRCA2 gene, results from a G to T substitution at nucleotide position 4594. The valine at codon 1532 is replaced by phenylalanine, an amino acid with highly similar properties. This alteration was detected in 1/1197 individuals diagnosed with breast cancer who underwent genetic testing (Abdel-Razeq H et al. Front Oncol, 2022 Mar;12:673094). This amino acid position is not well conserved in available vertebrate species. In addition, the in silico prediction for this alteration is inconclusive. Since supporting evidence is limited at this time, the clinical significance of this alteration remains unclear.

University of Washington Department of Laboratory Medicine, University of Washington
Classification: Likely benign for Hereditary cancer-predisposing syndrome. Last evaluated: 2023-03-23. Review status: criteria provided, single submitter. Criteria: Dines et al. (Genet Med. 2020). Collection method: curation. Allele origin: germline.
Comment: Missense variant in a coldspot region where missense variants are very unlikely to be pathogenic (PMID:31911673).

BRCA2 exon 11 coldspot. Reclassification based on statistical prior probability.

Fulgent Genetics
Classification: Uncertain significance for Breast-ovarian cancer, familial, susceptibility to, 2. Last evaluated: 2015-08-07. Review status: criteria provided, single submitter. Criteria: ACMG Guidelines, 2015. Collection method: clinical testing. Allele origin: unknown.

Sharing Clinical Reports Project (SCRP)
Classification: Uncertain significance for Breast-ovarian cancer, familial 2. Last evaluated: 2010-12-08. Review status: no assertion criteria provided. Collection method: clinical testing. Allele origin: germline. Not counted in ClinVar's aggregate classification.

Breast Cancer Information Core (BIC) (BRCA2)
Classification: Uncertain significance for Breast-ovarian cancer, familial 2. Last evaluated: 2002-05-29. Review status: no assertion criteria provided. Collection method: clinical testing. Allele origin: germline. Affected: yes. Observed: 2 variant alleles. Not counted in ClinVar's aggregate classification.

Literature cited by the submitters: PubMed 10923033 (cited by Labcorp Genetics (formerly Invitae), Labcorp); PubMed 21601571 (cited by Labcorp Genetics (formerly Invitae), Labcorp and Color Diagnostics, LLC DBA Color Health); PubMed 23071527 (cited by Labcorp Genetics (formerly Invitae), Labcorp and Color Diagnostics, LLC DBA Color Health); PubMed 34326862 (cited by Labcorp Genetics (formerly Invitae), Labcorp); PubMed 35402282 (cited by 3 submitters).

NM_000059.4(BRCA2):c.4594G>T (p.Val1532Phe)

Gene: BRCA2 (BRCA2 DNA repair associated; plus strand). Cytogenetic location: 13q13.1.
Variant type: single nucleotide variant.
Coding change: c.4594G>T on transcript NM_000059.4 (MANE Select); coding-DNA position 4594, G replaced by T.
Protein change: p.Val1532Phe; replaces valine 1532 with phenylalanine.
Molecular consequence: missense variant.
Genome position (GRCh38, 1-based): chr13:32,338,949, G>T. VCF-style: chr13-32338949-G-T. GRCh37 (hg19) VCF-style: chr13-32913086-G-T.
Other names: 4822G>T; short protein forms V1532F.
Identifiers: ClinVar variation 37911 (VCV000037911.17), dbSNP rs80358693, ClinGen allele CA020521.